The following is an entry in ClinVar:

ClinVar aggregate classification (germline): Uncertain significance (1 of 4 stars; one submission).

Allele frequency attached by ClinVar (database versions not stated): ExAC 0.00001; TOPMed 0.00001; gnomAD exomes 0.00002.

Submission:

GeneDx
Classification: Uncertain significance. Last evaluated: 2019-09-30. Review status: criteria provided, single submitter. Criteria: GeneDx Variant Classification Process June 2021. Collection method: clinical testing. Allele origin: germline. Affected: yes.
Comment: Not observed at a significant frequency in large population cohorts (Lek et al., 2016); In silico analysis, which includes protein predictors and evolutionary conservation, supports that this variant does not alter protein structure/function; Has not been previously published as pathogenic or benign to our knowledge

NM_032119.4(ADGRV1):c.12437G>A (p.Arg4146Gln)

Gene: ADGRV1 (adhesion G protein-coupled receptor V1; plus strand). Cytogenetic location: 5q14.3.
Variant type: single nucleotide variant.
Coding change: c.12437G>A on transcript NM_032119.4 (MANE Select); coding-DNA position 12437, G replaced by A.
Protein change: p.Arg4146Gln; replaces arginine 4146 with glutamine.
Molecular consequence: missense variant. On other transcripts: non-coding transcript variant (1).
Genome position (GRCh38, 1-based): chr5:90,776,486, G>A. VCF-style: chr5-90776486-G-A. GRCh37 (hg19) VCF-style: chr5-90072303-G-A.
Other names: short protein forms R4146Q.
Identifiers: ClinVar variation 1315781 (VCV001315781.2), dbSNP rs772529287, ClinGen allele CA3341244.